The following is an entry in ClinVar:

ClinVar aggregate classification (germline): Conflicting classifications of pathogenicity. Review status: criteria provided, conflicting classifications (1 of 4 stars). 6 submissions from 6 submitters: Uncertain significance (4); Likely benign (1). 1 of the submissions does not count toward it. Last evaluated 2026-01-24.

Conditions:
Jeune thoracic dystrophy. Also called: Infantile thoracic dystrophy; Thoracic pelvic phalangeal dystrophy; Jeune's syndrome; Chondroectodermal dysplasia-like syndrome; Short-rib thoracic dysplasia; Jeune syndrome. Identifiers: Orphanet 474, MedGen C0265275, MONDO:0018770.
Asphyxiating thoracic dystrophy 3. Also called: SHORT-RIB THORACIC DYSPLASIA 3 WITH OR WITHOUT POLYDACTYLY; POLYDACTYLY WITH NEONATAL CHONDRODYSTROPHY, TYPE I; SHORT-RIB THORACIC DYSPLASIA 3/6 WITH POLYDACTYLY, DIGENIC; Short rib polydactyly syndrome 2B; Saldino-Noonan Syndrome. Identifiers: Orphanet 474, Orphanet 93269, Orphanet 93270, Orphanet 93271, MedGen C0036069, MONDO:0013127, OMIM 613091.
Intellectual disability. Also called: Intellectual developmental disorder; Intellectual functioning disability; intellectual disabilities. Identifiers: MedGen C3714756, MeSH D008607, MONDO:0001071, HP:0001249.

Allele frequency attached by ClinVar (database versions not stated): gnomAD 0.00014 and 0.00015; TOPMed 0.00014; gnomAD exomes 0.00034.
gnomAD v4.1: 510 of 1,612,816 alleles (0.032%); highest among the groups gnomAD compares: Non-Finnish European, 0.041%; 1 homozygote.

Submissions (6):

Labcorp Genetics (formerly Invitae), Labcorp
Classification: Likely benign for Jeune thoracic dystrophy. Last evaluated: 2026-01-24. Review status: criteria provided, single submitter. Criteria: Invitae Variant Classification Sherloc (09022015). Collection method: clinical testing. Allele origin: germline.

Blueprint Genetics
Classification: Uncertain significance. Last evaluated: 2024-11-23. Review status: criteria provided, single submitter. Criteria: ACMG Guidelines, 2015. Collection method: clinical testing. Allele origin: germline.

Department of Pathology and Laboratory Medicine, Sinai Health System
Classification: Uncertain significance for asphyxiating thoracic dystrophy 3. Last evaluated: 2022-01-12. Review status: criteria provided, single submitter. Criteria: ACMG Guidelines, 2015. Collection method: research. Allele origin: germline.

ARUP Laboratories, Molecular Genetics and Genomics, ARUP Laboratories
Classification: Uncertain significance for Asphyxiating thoracic dystrophy 3. Last evaluated: 2020-11-05. Review status: criteria provided, single submitter. Criteria: ARUP Molecular Germline Variant Investigation Process 2021. Collection method: clinical testing. Allele origin: germline.
Comment: The DYNC2H1 c.6307T>A; p.Ser2103Thr variant (rs201003494), to our knowledge, is not reported in the medical literature but is reported in ClinVar (Variation ID: 302053). This variant is found in the general population with an overall allele frequency of 0.019% (54/279696 alleles) in the Genome Aggregation Database. The serine at codon 2103 is highly conserved, and computational analyses predict that this variant is deleterious (REVEL: 0.798). Due to limited information, the clinical significance of the p.Ser2103Thr variant is uncertain at this time.

Illumina Laboratory Services, Illumina
Classification: Uncertain significance for Asphyxiating thoracic dystrophy 3. Last evaluated: 2018-01-13. Review status: criteria provided, single submitter. Criteria: ICSL Variant Classification Criteria 13 December 2019. Collection method: clinical testing. Allele origin: germline.

Centre de Biologie Pathologie Génétique, Centre Hospitalier Universitaire de Lille
Classification: Uncertain significance for Intellectual disability. Last evaluated: 2019-01-01. Review status: no assertion criteria provided. Collection method: clinical testing. Allele origin: unknown. Affected: yes. Not counted in ClinVar's aggregate classification.

NM_001377.3(DYNC2H1):c.6307T>A (p.Ser2103Thr)

Gene: DYNC2H1 (dynein cytoplasmic 2 heavy chain 1; plus strand). Cytogenetic location: 11q22.3.
Variant type: single nucleotide variant.
Coding change: c.6307T>A on transcript NM_001377.3 (MANE Select); coding-DNA position 6307, T replaced by A.
Protein change: p.Ser2103Thr; replaces serine 2103 with threonine.
Molecular consequence: missense variant.
Genome position (GRCh38, 1-based): chr11:103,179,193, T>A. VCF-style: chr11-103179193-T-A. GRCh37 (hg19) VCF-style: chr11-103049922-T-A.
Other names: c.6307T>A, p.Ser2103Thr (NM_001080463.2); short protein forms S2103T.
Identifiers: ClinVar variation 302053 (VCV000302053.25), dbSNP rs201003494, ClinGen allele CA6253944.